The following is an entry in ClinVar:

ClinVar aggregate classification (germline): Uncertain significance (1 of 4 stars; one submission).

Allele frequency attached by ClinVar (database versions not stated): gnomAD 0.00001.
gnomAD v4.1: 2 of 1,612,998 alleles (0.00012%); highest among the groups gnomAD compares: African/African-American, 0.0013%; no homozygotes.

Submission:

Labcorp Genetics (formerly Invitae), Labcorp
Classification: Uncertain significance. Last evaluated: 2022-03-08. Review status: criteria provided, single submitter. Criteria: Invitae Variant Classification Sherloc (09022015). Collection method: clinical testing. Allele origin: germline.
Comment: This sequence change replaces asparagine, which is neutral and polar, with serine, which is neutral and polar, at codon 1922 of the CACNA1B protein (p.Asn1922Ser). This variant is not present in population databases (gnomAD no frequency). This variant has not been reported in the literature in individuals affected with CACNA1B-related conditions. Advanced modeling of protein sequence and biophysical properties (such as structural, functional, and spatial information, amino acid conservation, physicochemical variation, residue mobility, and thermodynamic stability) performed at Invitae indicates that this missense variant is not expected to disrupt CACNA1B protein function. In summary, the available evidence is currently insufficient to determine the role of this variant in disease. Therefore, it has been classified as a Variant of Uncertain Significance.

NM_000718.4(CACNA1B):c.5765A>G (p.Asn1922Ser)

Gene: CACNA1B (calcium voltage-gated channel subunit alpha1 B; plus strand). Cytogenetic location: 9q34.3.
Variant type: single nucleotide variant.
Coding change: c.5765A>G on transcript NM_000718.4 (MANE Select); coding-DNA position 5765, A replaced by G.
Protein change: p.Asn1922Ser; replaces asparagine 1922 with serine.
Molecular consequence: missense variant.
Genome position (GRCh38, 1-based): chr9:138,115,667, A>G. VCF-style: chr9-138115667-A-G. GRCh37 (hg19) VCF-style: chr9-141010119-A-G.
Other names: c.5765A>G, p.Asn1922Ser (NM_001243812.2); short protein forms N1922S.
Identifiers: ClinVar variation 1975504 (VCV001975504.2), dbSNP rs1961829144, ClinGen allele CA375817792.